The following is an entry in ClinVar:

NM_001036.6(RYR3):c.11196G>A (p.Thr3732=)

Gene: RYR3 (ryanodine receptor 3; plus strand). Cytogenetic location: 15q14.
Variant type: single nucleotide variant.
Coding change: c.11196G>A on transcript NM_001036.6 (MANE Select); coding-DNA position 11196, G replaced by A.
Protein change: p.Thr3732=; no amino-acid change (threonine 3732 retained).
Molecular consequence: synonymous variant.
Genome position (GRCh38, 1-based): chr15:33,826,703, G>A. VCF-style: chr15-33826703-G-A. GRCh37 (hg19) VCF-style: chr15-34118904-G-A.
Other names: c.11181G>A, p.Thr3727= (NM_001243996.4).
Identifiers: ClinVar variation 461838 (VCV000461838.38), dbSNP rs148918638, ClinGen allele CA7461181.
Genomic context (GRCh38, chr15:33,826,703, plus strand): 5'-AATGCTCATCAACGTTCTGTGTTTTCAAGGTGAAAAAGTACTCCAGAATGACGAGTTCAC[G>A]CGTGATCTCTTTAGATTCCTACAGTTACTTTGTGAGGGACATAACAGTGGTGAGTGGAAC-3'
Protein context (NP_001027.3, residues 3722-3742): GEKVLQNDEF[Thr3732=]RDLFRFLQLL

ClinVar aggregate classification (germline): Benign/Likely benign. Review status: criteria provided, multiple submitters, no conflicts (2 of 4 stars). 4 submissions from 4 submitters: Benign (2); Likely benign (2). Last evaluated 2025-09-02.

Conditions:
Epileptic encephalopathy. Identifiers: MedGen C0543888, HP:0200134.

Allele frequency attached by ClinVar (database versions not stated): ESP Exome Variant Server 0.00057; TOPMed 0.00059; gnomAD exomes 0.00110 and 0.00185; 1000 Genomes Project 0.00120; gnomAD 0.00151 and 0.00155; ExAC 0.00169; 1000 Genomes Project 30x 0.00172.
gnomAD v4.1: 1,836 of 1,613,924 alleles (0.11%); highest among the groups gnomAD compares: Middle Eastern, 0.28%; 4 homozygotes.

Submissions (4):

Labcorp Genetics (formerly Invitae), Labcorp
Classification: Benign for Epileptic encephalopathy. Last evaluated: 2025-09-02. Review status: criteria provided, single submitter. Criteria: Invitae Variant Classification Sherloc (09022015). Collection method: clinical testing. Allele origin: germline.

Blueprint Genetics
Classification: Likely benign. Last evaluated: 2024-11-27. Review status: criteria provided, single submitter. Criteria: ACMG Guidelines, 2015. Collection method: clinical testing. Allele origin: germline.

CeGaT Center for Human Genetics Tuebingen
Classification: Likely benign. Last evaluated: 2023-09-01. Review status: criteria provided, single submitter. Criteria: CeGaT Center For Human Genetics Tuebingen Variant Classification Criteria Version 2. Collection method: clinical testing. Allele origin: germline. Affected: yes. Observed: 2 variant alleles.
Comment: RYR3: BP4, BP7

Breakthrough Genomics
Classification: Benign. Review status: criteria provided, single submitter. Criteria: ACMG Guidelines, 2015. Collection method: not provided. Allele origin: germline. Inheritance: Unknown mechanism. Affected: yes.